The following is an entry in ClinVar:

NM_014844.5(TECPR2):c.1458G>A (p.Ser486=)

Gene: TECPR2 (tectonin beta-propeller repeat containing 2; plus strand). Cytogenetic location: 14q32.31.
Variant type: single nucleotide variant.
Coding change: c.1458G>A on transcript NM_014844.5 (MANE Select); coding-DNA position 1458, G replaced by A.
Protein change: p.Ser486=; no amino-acid change (serine 486 retained).
Molecular consequence: synonymous variant.
Genome position (GRCh38, 1-based): chr14:102,434,275, G>A. VCF-style: chr14-102434275-G-A. GRCh37 (hg19) VCF-style: chr14-102900612-G-A.
Other names: c.1458G>A, p.Ser486= (NM_001172631.3).
Identifiers: ClinVar variation 386392 (VCV000386392.12), dbSNP rs775531821, ClinGen allele CA7357737.
Genomic context (GRCh38, chr14:102,434,275, plus strand): 5'-ATGTTCTTATTCTGAATTAGAAGGTGGAAGCAGGAGCACCTGTCACAGCTCCCTGGAATC[G>A]ACACCCTGCTCCGAATTTCCTGGGGACAGTCCCCAGTCCTTGAACACAGACTTGCTGTCG-3'
Protein context (NP_055659.2, residues 476-496): SRSTCHSSLE[Ser486=]TPCSEFPGDS

ClinVar aggregate classification (germline): Likely benign. Review status: criteria provided, multiple submitters, no conflicts (2 of 4 stars). 2 submissions from 2 submitters: Likely benign (2). Last evaluated 2024-02-14.

Conditions:
Hereditary spastic paraplegia 49 (HSAN9). Also called: Spastic paraplegia 49, autosomal recessive; NEUROPATHY, HEREDITARY SENSORY AND AUTONOMIC, TYPE IX, WITH DEVELOPMENTAL DELAY; TECPR2-Related Hereditary Sensory and Autonomic Neuropathy with Intellectual Disability. Identifiers: Orphanet 320385, MedGen C5190860, MONDO:0014016, OMIM 615031.

Allele frequency attached by ClinVar (database versions not stated): gnomAD 0.00003; gnomAD exomes 0.00003 and 0.00004; ExAC 0.00004; TOPMed 0.00008.
gnomAD v4.1: 48 of 1,383,722 alleles (0.0035%); highest among the groups gnomAD compares: African/African-American, 0.012%; no homozygotes.

Submissions (2):

Labcorp Genetics (formerly Invitae), Labcorp
Classification: Likely benign for Hereditary spastic paraplegia 49. Last evaluated: 2024-02-14. Review status: criteria provided, single submitter. Criteria: Invitae Variant Classification Sherloc (09022015). Collection method: clinical testing. Allele origin: germline.

GeneDx
Classification: Likely benign. Last evaluated: 2016-05-24. Review status: criteria provided, single submitter. Criteria: GeneDx Variant Classification (06012015). Collection method: clinical testing. Allele origin: germline. Affected: yes.
Comment: This variant is considered likely benign or benign based on one or more of the following criteria: it is a conservative change, it occurs at a poorly conserved position in the protein, it is predicted to be benign by multiple in silico algorithms, and/or has population frequency not consistent with disease.